The following is an entry in ClinVar:

ClinVar aggregate classification (germline): Uncertain significance. Review status: criteria provided, multiple submitters, no conflicts (2 of 4 stars). 2 submissions from 2 submitters: Uncertain significance (2). Last evaluated 2025-10-24.

Conditions:
Deficiency of alpha-mannosidase (MANSA). Also called: Mannosidosis, alpha-, types I and II; LYSOSOMAL ALPHA-D-MANNOSIDASE DEFICIENCY; Alpha-Mannosidosis. Identifiers: Orphanet 61, MedGen C0024748, MONDO:0009561, OMIM 248500.
Inborn genetic diseases. Identifiers: MedGen C0950123, MeSH D030342.

Allele frequency attached by ClinVar (database versions not stated): ExAC 0.00002; gnomAD exomes 0.00003 and 0.00007; gnomAD 0.00005; TOPMed 0.00005.
gnomAD v4.1: 115 of 1,611,842 alleles (0.0071%); highest among the groups gnomAD compares: Non-Finnish European, 0.0087%; no homozygotes.

Submissions (2):

Ambry Genetics
Classification: Uncertain significance for Inborn genetic diseases. Last evaluated: 2025-10-24. Review status: criteria provided, single submitter. Criteria: Ambry Variant Classification Scheme 2023. Collection method: clinical testing. Allele origin: germline.

Labcorp Genetics (formerly Invitae), Labcorp
Classification: Uncertain significance for Deficiency of alpha-mannosidase. Last evaluated: 2022-07-12. Review status: criteria provided, single submitter. Criteria: Invitae Variant Classification Sherloc (09022015). Collection method: clinical testing. Allele origin: germline.
Comment: This sequence change replaces leucine, which is neutral and non-polar, with serine, which is neutral and polar, at codon 685 of the MAN2B1 protein (p.Leu685Ser). This variant is present in population databases (rs779966472, gnomAD 0.008%). This variant has not been reported in the literature in individuals affected with MAN2B1-related conditions. ClinVar contains an entry for this variant (Variation ID: 1423612). Algorithms developed to predict the effect of missense changes on protein structure and function are either unavailable or do not agree on the potential impact of this missense change (SIFT: "Tolerated"; PolyPhen-2: "Probably Damaging"; Align-GVGD: "Class C0"). In summary, the available evidence is currently insufficient to determine the role of this variant in disease. Therefore, it has been classified as a Variant of Uncertain Significance.

NM_000528.4(MAN2B1):c.2054T>C (p.Leu685Ser)

Gene: MAN2B1 (mannosidase alpha class 2B member 1; minus strand). Cytogenetic location: 19p13.13.
Variant type: single nucleotide variant.
Coding change: c.2054T>C on transcript NM_000528.4 (MANE Select); coding-DNA position 2054, T replaced by C.
Protein change: p.Leu685Ser; replaces leucine 685 with serine.
Molecular consequence: missense variant.
Genome position (GRCh38, 1-based): chr19:12,650,215, A>G on the plus strand (T>C on the coding strand, the complement: MAN2B1 is on the minus strand). VCF-style: chr19-12650215-A-G. GRCh37 (hg19) VCF-style: chr19-12761029-A-G.
Other names: c.2054T>C (NM_000528.3); c.2051T>C, p.Leu684Ser (NM_001173498.2); short protein forms L685S, L684S.
Identifiers: ClinVar variation 1423612 (VCV001423612.5), dbSNP rs779966472, ClinGen allele CA9226208.
Genomic context (GRCh38, chr19:12,650,215, plus strand): 5'-GGGTACAGGCGAACCACCTGGGAACACCAAGCTGAGAAGTTCTGGTGCACCTCCTGCACC[A>G]AGGGTGTCTGCGGGCACACGGGTGAGGTGGATGTCAGTCTGTACCTGAGCAGAGGTGAGT-3'
Protein context (NP_000519.2, residues 675-695): WAQIHLVKTP[Leu685Ser]VQEVHQNFSA